The following is an entry in ClinVar:

NM_001290060.2(SEMA3B):c.731T>A (p.Phe244Tyr)

Genes: SEMA3B (semaphorin 3B; plus strand), LOC129936787 (ATAC-STARR-seq lymphoblastoid active region 19897; plus strand). Cytogenetic location: 3p21.31.
Variant type: single nucleotide variant.
Coding change: c.731T>A on transcript NM_001290060.2 (MANE Select); coding-DNA position 731, T replaced by A.
Protein change: p.Phe244Tyr; replaces phenylalanine 244 with tyrosine.
Molecular consequence: missense variant. On other transcripts: 5 prime UTR variant (1), intron variant (1).
Genome position (GRCh38, 1-based): chr3:50,273,364, T>A. VCF-style: chr3-50273364-T-A. GRCh37 (hg19) VCF-style: chr3-50310795-T-A.
Other names: c.731T>A, p.Phe244Tyr (NM_001005914.3, NM_001290061.1, NM_001435956.1 and 3 more transcripts); c.-296T>A (NM_001290062.2); c.-220+50T>A (NM_001290063.2); short protein forms F244Y.
Identifiers: ClinVar variation 4984393 (VCV004984393.1).
Genomic context (GRCh38, chr3:50,273,364, plus strand): 5'-AGTTTGTCAAGGTATTTTGGATCCCGGAGAGCGAGAACCCAGACGACGACAAAATCTACT[T>A]CTTCTTTCGTGAGACGGCGGTAGAGGCGGCGCCGGCACTGGGACGCCTGTCCGTGTCCCG-3'
Protein context (NP_001276989.1, residues 234-254): SENPDDDKIY[Phe244Tyr]FFRETAVEAA

ClinVar aggregate classification (germline): Uncertain significance (1 of 4 stars; one submission).

Conditions:
SEMA3B-related disorder. Also called: SEMA3B-related condition.

gnomAD v4.1: 5 of 1,613,850 alleles (0.00031%); highest among the groups gnomAD compares: Admixed American, 0.0083%; no homozygotes.

Submission:

PreventionGenetics, part of Exact Sciences
Classification: Uncertain significance for SEMA3B-related condition. Last evaluated: 2026-06-19. Review status: criteria provided, single submitter. Criteria: ACMG Guidelines, 2015. Collection method: clinical testing. Allele origin: germline.
Comment: The SEMA3B c.731T>A variant is predicted to result in the amino acid substitution p.Phe244Tyr. To our knowledge, this variant has not been reported in the literature. This variant is reported in 0.012% of alleles in individuals of Latino descent in gnomAD. At this time, the clinical significance of this variant is uncertain due to the absence of conclusive functional and genetic evidence.